The following is an entry in ClinVar:

ClinVar aggregate classification (germline): Pathogenic/Likely pathogenic. Review status: criteria provided, multiple submitters, no conflicts (2 of 4 stars). 15 submissions from 15 submitters: Pathogenic (4); Likely pathogenic (8). 3 of the submissions do not count toward it. Last evaluated 2026-07-10.

Conditions:
PALB2-related cancer predisposition. Identifiers: MedGen CN377761, MONDO:0700272.
Breast-ovarian cancer, familial, susceptibility to, 5 (BROVCA5). Identifiers: MedGen C5830615, MONDO:0957530, OMIM 620442.
Pancreatic cancer, susceptibility to, 3. Identifiers: Orphanet 1333, MedGen C3150547, MONDO:0013236, OMIM 613348.
Fanconi anemia complementation group N. Also called: PALB2-Related Fanconi Anemia. Identifiers: Orphanet 84, MedGen C1835817, MONDO:0012565, OMIM 610832. Disease mechanism: loss of function.
Hereditary cancer-predisposing syndrome. Also called: Tumor predisposition; Hereditary neoplastic syndrome; Hereditary Cancer Syndrome; Neoplastic Syndromes, Hereditary. Identifiers: Orphanet 140162, MedGen C0027672, MeSH D009386, MONDO:0015356.
Hereditary breast ovarian cancer syndrome. Also called: Hereditary breast and/or ovarian cancer syndrome; Breast and ovarian cancer; Hereditary breast and ovarian cancer; Hereditary breast and ovarian cancer syndrome; Hereditary breast and ovarian cancer syndrome (HBOC); BRCA1- and BRCA2-Associated Hereditary Breast and Ovarian Cancer. Identifiers: Orphanet 145, MedGen C0677776, MeSH D061325, MONDO:0003582. Disease mechanism: loss of function.
Familial cancer of breast. Also called: BREAST CANCER, FAMILIAL; Hereditary breast cancer; hereditary breast carcinoma. Identifiers: Orphanet 227535, MedGen C0346153, MONDO:0016419, OMIM 114480. Disease mechanism: loss of function.

Allele frequency attached by ClinVar (database versions not stated): gnomAD exomes 0.00001; TOPMed below 0.00001; gnomAD 0.00001.

Submissions 1 to 6 of 15:

GeneDx
Classification: Likely pathogenic. Last evaluated: 2026-07-10. Review status: criteria provided, single submitter. Criteria: GeneDx Variant Classification Process June 2021. Collection method: clinical testing. Allele origin: germline.
Comment: Observed in individuals with personal and/or family history of breast or ovarian cancer (PMID: 24415441, 23824750, 29053726, 29522266); Reported with a second truncating variant in PALB2 in an individual with Fanconi Anemia (PMID: 17200671); Published RNA studies demonstrate aberrant splicing resulting in a predicted null allele in the majority of transcripts (PMID: 30890586, 31642931, 32133419, 34846068); Not observed at significant frequency in large population cohorts (gnomAD); In silico analysis supports a deleterious effect on splicing; This variant is associated with the following publications: (PMID: 24485656, 19609323, 20871615, 21165770, 24415441, 23824750, 19264984, 25525159, 31642931, 32133419, 32546565, 30890586, 29522266, 37506692, 37651980, 38476606, 34846068, 29053726, 17200671, 41172994, 41935071)

Labcorp Genetics (formerly Invitae), Labcorp
Classification: Pathogenic for Familial cancer of breast. Last evaluated: 2026-01-13. Review status: criteria provided, single submitter. Criteria: Invitae Variant Classification Sherloc (09022015). Collection method: clinical testing. Allele origin: germline.
Comment: This sequence change falls in intron 10 of the PALB2 gene. It does not directly change the encoded amino acid sequence of the PALB2 protein. RNA analysis indicates that this variant induces altered splicing and may result in an absent or altered protein product. This variant is not present in population databases (gnomAD no frequency). This variant has been observed in individual(s) with breast cancer or Fanconi anemia (PMID: 17200671, 23824750, 24415441). ClinVar contains an entry for this variant (Variation ID: 231961). Variants that disrupt the consensus splice site are a relatively common cause of aberrant splicing (PMID: 17576681, 9536098). Studies have shown that this variant results in skipping of exons 9 and 10 or activation of a cryptic splice site in exon 10, and produces a non-functional protein and/or introduces a premature termination codon (PMID: 17200671, 30890586; internal data). For these reasons, this variant has been classified as Pathogenic.

Women's Health and Genetics/Laboratory Corporation of America, LabCorp
Classification: Pathogenic for Hereditary breast ovarian cancer syndrome. Last evaluated: 2025-10-20. Review status: criteria provided, single submitter. Criteria: LabCorp Variant Classification Summary - May 2015. Collection method: clinical testing. Allele origin: germline.
Comment: Variant summary: PALB2 c.3113+5G>C alters a conserved nucleotide located close to a canonical splice site and therefore could affect mRNA splicing, leading to a significantly altered protein sequence. Several computational tools predict a significant impact on normal splicing: Three predict the variant abolishes a 5' splicing donor site. RNA analysis indicates that this variant induces altered splicing and may result in an absent or altered protein product (Karam_2019, etc.). The variant was absent in 251336 control chromosomes. c.3113+5G>C has been observed in individual(s) affected with breast cancer or Fanconi anemia (Reid_2006, Wong-Brown_2014, Fernandes_2014, ValenzuelaPalomo_2021). These data indicate that the variant is likely to be associated with disease. The following publications have been ascertained in the context of this evaluation (PMID: 17200671, 23824750, 24415441, 31642931, 34846068). ClinVar contains an entry for this variant (Variation ID: 231961). Based on the evidence outlined above, the variant was classified as pathogenic.

Ambry Genetics
Classification: Likely pathogenic for Hereditary cancer-predisposing syndrome. Last evaluated: 2025-05-07. Review status: criteria provided, single submitter. Criteria: Ambry Variant Classification Scheme 2023. Collection method: clinical testing. Allele origin: germline.
Comment: The c.3113+5G>C intronic variant results from a G to C substitution five nucleotides after coding exon 10 in the PALB2 gene. This alteration was reported in one parent of an individual with a clinical diagnosis of Fanconi anemia (FA), who was presumed to be compound heterozygous for c.3113+5C>G and c.395delT (Reid S et al. Nat. Genet. 2007 Feb; 39(2):162-4). The study authors considered this alteration to be a disease causing mutation, and predicted that this alteration produces a frameshift that results in a protein truncation; however, direct evidence was not provided. Of note, this alteration is also designated as IVS10+5G>C in some published literature. This variant is considered to be rare based on population cohorts in the Genome Aggregation Database (gnomAD). Based on nucleotide sequence alignment, this position is highly conserved in available vertebrate species. In silico splice site analysis predicts that this alteration may weaken the native splice donor site. RNA studies have demonstrated this alteration results in abnormal splicing (Ambry internal data; Lopez-Perolio I et al. J. Med. Genet. 2019 Jul;56:453-460). Based on the majority of available evidence to date, this variant is likely to be pathogenic.

Institute of Human Genetics, University of Leipzig Medical Center
Classification: Pathogenic for Breast-ovarian cancer, familial, susceptibility to, 5. Last evaluated: 2025-04-10. Review status: criteria provided, single submitter. Criteria: ACMG Guidelines, 2015. Collection method: clinical testing. Allele origin: unknown. Inheritance: Autosomal dominant inheritance. Affected: yes.
Comment: Criteria applied: PVS1,PM3

Quest Diagnostics Nichols Institute San Juan Capistrano
Classification: Likely pathogenic. Last evaluated: 2024-11-07. Review status: criteria provided, single submitter. Criteria: Quest Diagnostics criteria. Collection method: clinical testing. Allele origin: unknown.
Comment: The PALB2 c.3113+5G>C variant has been reported in the published literature in individuals with breast cancer (PMID: 23824750 (2014)), pancreatic cancer (PMID: 19264984 (2009)), and ovarian cancer (PMID: 29053726 (2017)). This variant has also been identified in an individual with Fanconi Anemia who also carried a pathogenic PALB2 variant (PMID: 17200671 (2017)). Assessment of experimental evidence suggests this variant results in abnormal RNA splicing (PMID: 31642931 (2019), 30890586 (2019), 32133419 (2020), 34846068 (2022)). The frequency of this variant in the general population, 0.0000066 (1/152190 chromosomes (Genome Aggregation Database)), is consistent with pathogenicity. Analysis of this variant using software algorithms for the prediction of the effect of nucleotide changes on splicing yielded predictions that this variant may affect proper PALB2 mRNA splicing. Based on the available information, this variant is classified as likely pathogenic.

NM_024675.4(PALB2):c.3113+5G>C

Gene: PALB2 (partner and localizer of BRCA2; minus strand). Cytogenetic location: 16p12.2.
Variant type: single nucleotide variant.
Coding change: c.3113+5G>C on transcript NM_024675.4 (MANE Select); 5 bases into the intron after coding-DNA position 3113, G replaced by C.
Molecular consequence: intron variant.
Genome position (GRCh38, 1-based): chr16:23,621,357, C>G on the plus strand (G>C on the coding strand, the complement: PALB2 is on the minus strand). VCF-style: chr16-23621357-C-G. GRCh37 (hg19) VCF-style: chr16-23632678-C-G.
Identifiers: ClinVar variation 231961 (VCV000231961.41), dbSNP rs876659463, ClinGen allele CA10579931.
Genomic context (GRCh38, chr16:23,621,357, plus strand): 5'-GTAAAATTAGAGGTATATCCTCATACTACAGATGAGGGAACTGAGGACCTAGAGGGAAAG[C>G]TTACCAAATAACAATGTTGTTCATAATAGTAGTACCAAGCAGAGCTTCTTGCATCCCTTG-3'